The following is an entry in ClinVar:

ClinVar aggregate classification (germline): Uncertain significance (1 of 4 stars; one submission).

Submission:

GeneDx
Classification: Uncertain significance. Last evaluated: 2025-04-16. Review status: criteria provided, single submitter. Criteria: GeneDx Variant Classification Process June 2021. Collection method: clinical testing. Allele origin: germline. Affected: yes.
Comment: Not observed at significant frequency in large population cohorts (gnomAD); In silico analysis indicates that this missense variant does not alter protein structure/function; Has not been previously published as pathogenic or benign to our knowledge

NM_001394062.1(MACF1):c.15382G>A (p.Val5128Ile)

Gene: MACF1 (microtubule actin crosslinking factor 1; plus strand). Cytogenetic location: 1p34.3.
Variant type: single nucleotide variant.
Coding change: c.15382G>A on transcript NM_001394062.1 (MANE Select); coding-DNA position 15382, G replaced by A.
Protein change: p.Val5128Ile; replaces valine 5128 with isoleucine.
Molecular consequence: missense variant.
Genome position (GRCh38, 1-based): chr1:39,388,224, G>A. VCF-style: chr1-39388224-G-A. GRCh37 (hg19) VCF-style: chr1-39853896-G-A.
Other names: c.9196G>A, p.Val3066Ile (NM_012090.5); short protein forms V3066I, V5128I.
Identifiers: ClinVar variation 4282288 (VCV004282288.1).